The following is an entry in ClinVar:

NC_000017.11:g.(?_68515384)_(68529001_?)del

Genes: PRKAR1A (protein kinase cAMP-dependent type I regulatory subunit alpha; plus strand), LOC125316783 (Sharpr-MPRA regulatory region 15560; plus strand). Cytogenetic location: 17q24.2.
Variant type: Deletion.
Identifiers: ClinVar variation 584116 (VCV000584116.1).

ClinVar aggregate classification (germline): Pathogenic (1 of 4 stars; one submission).

Conditions:
Carney complex, type 1 (CNC1). Also called: CARNEY COMPLEX, TYPE I; CARNEY MYXOMA-ENDOCRINE COMPLEX. Identifiers: Orphanet 1359, MedGen C2607929, MONDO:0008057, OMIM 160980.

Submission:

Labcorp Genetics (formerly Invitae), Labcorp
Classification: Pathogenic for Carney complex, type 1. Last evaluated: 2018-06-04. Review status: criteria provided, single submitter. Criteria: Invitae Variant Classification Sherloc (09022015). Collection method: clinical testing. Allele origin: germline.
Comment: A gross deletion of the genomic region encompassing the full coding sequence of the PRKAR1A gene has been identified. The boundaries of this event are unknown as the deletion extends beyond the assayed region for this gene and therefore may encompass additional genes. A similar whole gene deletion of PRKAR1A has been observed to segregate with disease in a family affected with Carney complex (Invitae). Additionally, whole-gene deletions of PRKAR1A and larger copy number events that include this gene have been reported in individuals affected with Carney complex (PMID: 24170103). Loss-of-function variants in PRKAR1A are known to be pathogenic (PMID: 11115848, 19293268). For these reasons, this variant has been classified as Pathogenic.

Literature cited by the submitters: PubMed 24170103.